The following is an entry in ClinVar:

NM_001378778.1(MPDZ):c.4099A>G (p.Asn1367Asp)

Gene: MPDZ (multiple PDZ domain crumbs cell polarity complex component; minus strand). Cytogenetic location: 9p23.
Variant type: single nucleotide variant.
Coding change: c.4099A>G on transcript NM_001378778.1 (MANE Select); coding-DNA position 4099, A replaced by G.
Protein change: p.Asn1367Asp; replaces asparagine 1367 with aspartic acid.
Molecular consequence: missense variant.
Genome position (GRCh38, 1-based): chr9:13,138,058, T>C on the plus strand (A>G on the coding strand, the complement: MPDZ is on the minus strand). VCF-style: chr9-13138058-T-C. GRCh37 (hg19) VCF-style: chr9-13138057-T-C.
Other names: c.4099A>G (NM_003829.3); c.4000A>G, p.Asn1334Asp (NM_001261406.2, NM_001261407.2, NM_001375416.1 and 3 more transcripts); c.4099A>G, p.Asn1367Asp (NM_001330637.2, NM_001375413.1, NM_003829.5); c.3889A>G, p.Asn1297Asp (NM_001375420.1, NM_001375421.1, NM_001375422.1 and 4 more transcripts); c.3691A>G, p.Asn1231Asp (NM_001375427.1); short protein forms N1297D, N1334D, N1231D, N1367D.
Identifiers: ClinVar variation 1495113 (VCV001495113.9), dbSNP rs370823821, ClinGen allele CA4986834.

ClinVar aggregate classification (germline): Uncertain significance. Review status: criteria provided, multiple submitters, no conflicts (2 of 4 stars). 2 submissions from 2 submitters: Uncertain significance (2). Last evaluated 2025-12-03.

Conditions:
Inborn genetic diseases. Identifiers: MedGen C0950123, MeSH D030342.

Allele frequency attached by ClinVar (database versions not stated): gnomAD exomes below 0.00001 and 0.00001; gnomAD 0.00001; ExAC 0.00002; TOPMed 0.00002; ESP Exome Variant Server 0.00008.
gnomAD v4.1: 3 of 1,613,728 alleles (0.00019%); highest among the groups gnomAD compares: African/African-American, 0.004%; no homozygotes.

Submissions (2):

Ambry Genetics
Classification: Uncertain significance for Inborn genetic diseases. Last evaluated: 2025-12-03. Review status: criteria provided, single submitter. Criteria: Ambry Variant Classification Scheme 2023. Collection method: clinical testing. Allele origin: germline.

Labcorp Genetics (formerly Invitae), Labcorp
Classification: Uncertain significance. Last evaluated: 2025-11-10. Review status: criteria provided, single submitter. Criteria: Invitae Variant Classification Sherloc (09022015). Collection method: clinical testing. Allele origin: germline.
Comment: This sequence change replaces asparagine, which is neutral and polar, with aspartic acid, which is acidic and polar, at codon 1367 of the MPDZ protein (p.Asn1367Asp). This variant is present in population databases (rs370823821, gnomAD 0.01%). This variant has not been reported in the literature in individuals affected with MPDZ-related conditions. ClinVar contains an entry for this variant (Variation ID: 1495113). An algorithm developed to predict the effect of missense changes on protein structure and function (PolyPhen-2) suggests that this variant is likely to be disruptive. In summary, the available evidence is currently insufficient to determine the role of this variant in disease. Therefore, it has been classified as a Variant of Uncertain Significance.